The following is an entry in ClinVar:

ClinVar aggregate classification (germline): Benign/Likely benign. Review status: criteria provided, multiple submitters, no conflicts (2 of 4 stars). 3 submissions from 3 submitters: Benign (1); Likely benign (2). Last evaluated 2024-05-15.

Allele frequency attached by ClinVar (database versions not stated): TOPMed 0.00003; gnomAD 0.00006; 1000 Genomes Project 30x 0.00016; 1000 Genomes Project 0.00020.
gnomAD v4.1: 283 of 1,609,460 alleles (0.018%); highest among the groups gnomAD compares: South Asian, 0.24%; 2 homozygotes.

Submissions (3):

Labcorp Genetics (formerly Invitae), Labcorp
Classification: Benign. Last evaluated: 2024-05-15. Review status: criteria provided, single submitter. Criteria: Invitae Variant Classification Sherloc (09022015). Collection method: clinical testing. Allele origin: germline.

GeneDx
Classification: Likely benign. Last evaluated: 2017-11-01. Review status: criteria provided, single submitter. Criteria: GeneDx Variant Classification (06012015). Collection method: clinical testing. Allele origin: germline. Affected: yes.
Comment: This variant is considered likely benign or benign based on one or more of the following criteria: it is a conservative change, it occurs at a poorly conserved position in the protein, it is predicted to be benign by multiple in silico algorithms, and/or has population frequency not consistent with disease.

Breakthrough Genomics
Classification: Likely benign. Review status: criteria provided, single submitter. Criteria: ACMG Guidelines, 2015. Collection method: not provided. Allele origin: germline. Inheritance: Autosomal recessive inheritance. Affected: yes.

NM_016065.4(MRPS16):c.13+12G>C

Genes: DNAJC9-AS1 (DNAJC9 and MRPS16 antisense RNA 1; plus strand), MRPS16 (mitochondrial ribosomal protein S16; minus strand). Cytogenetic location: 10q22.2.
Variant type: single nucleotide variant.
Coding change: c.13+12G>C on transcript NM_016065.4 (MANE Select); 12 bases into the intron after coding-DNA position 13, G replaced by C.
Molecular consequence: intron variant.
Genome position (GRCh38, 1-based): chr10:73,252,458, C>G on the plus strand (G>C on the coding strand, the complement: MRPS16 is on the minus strand). VCF-style: chr10-73252458-C-G. GRCh37 (hg19) VCF-style: chr10-75012216-C-G.
Identifiers: ClinVar variation 512930 (VCV000512930.7), dbSNP rs560766660, ClinGen allele CA5553464.